The following is an entry in ClinVar:

NM_001384900.1(SEMA3D):c.335A>T (p.Glu112Val)

Gene: SEMA3D (semaphorin 3D; minus strand). Cytogenetic location: 7q21.11.
Variant type: single nucleotide variant.
Coding change: c.335A>T on transcript NM_001384900.1 (MANE Select); coding-DNA position 335, A replaced by T.
Protein change: p.Glu112Val; replaces glutamic acid 112 with valine.
Molecular consequence: missense variant.
Genome position (GRCh38, 1-based): chr7:85,081,557, T>A on the plus strand (A>T on the coding strand, the complement: SEMA3D is on the minus strand). VCF-style: chr7-85081557-T-A. GRCh37 (hg19) VCF-style: chr7-84710873-T-A.
Other names: c.335A>T, p.Glu112Val (NM_001384901.1, NM_001384902.1, NM_001384903.1 and 1 more transcripts); short protein forms E112V.
Identifiers: ClinVar variation 3159718 (VCV003159718.4), dbSNP rs369780649, ClinGen allele CA4323779.

ClinVar aggregate classification (germline): Uncertain significance. Review status: criteria provided, multiple submitters, no conflicts (2 of 4 stars). 2 submissions from 2 submitters: Uncertain significance (2). Last evaluated 2026-03-09.

Conditions:
SEMA3D-related disorder. Also called: SEMA3D-related condition.

Allele frequency attached by ClinVar (database versions not stated): gnomAD exomes 0.00003; ExAC 0.00004; ESP Exome Variant Server 0.00008; gnomAD 0.00012; TOPMed 0.00012.
gnomAD v4.1: 67 of 1,612,172 alleles (0.0042%); highest among the groups gnomAD compares: Middle Eastern, 0.033%; no homozygotes.

Submissions (2):

PreventionGenetics, part of Exact Sciences
Classification: Uncertain significance for SEMA3D-related condition. Last evaluated: 2026-03-09. Review status: criteria provided, single submitter. Criteria: ACMG Guidelines, 2015. Collection method: clinical testing. Allele origin: germline.
Comment: The SEMA3D c.335A>T variant is predicted to result in the amino acid substitution p.Glu112Val. To our knowledge, this variant has not been reported in the literature. This variant is reported in 0.019% of alleles in individuals of Ashkenazi Jewish descent in gnomAD. At this time, the clinical significance of this variant is uncertain due to the absence of conclusive functional and genetic evidence.

Ambry Genetics
Classification: Uncertain significance. Last evaluated: 2025-12-11. Review status: criteria provided, single submitter. Criteria: Ambry Variant Classification Scheme 2023. Collection method: clinical testing. Allele origin: germline.